The following is an entry in ClinVar:

NM_178857.6(RP1L1):c.592A>G (p.Thr198Ala)

Gene: RP1L1 (RP1 like 1). Cytogenetic location: 8p23.1.
Variant type: single nucleotide variant.
Coding change: c.592A>G on transcript NM_178857.6 (MANE Select); coding-DNA position 592, A replaced by G.
Protein change: p.Thr198Ala; replaces threonine 198 with alanine.
Molecular consequence: missense variant.
Genome position (GRCh38, 1-based): chr8:10,622,610, T>C on the plus strand (A>G on the coding strand, the complement: RP1L1 is on the minus strand). VCF-style: chr8-10622610-T-C. GRCh37 (hg19) VCF-style: chr8-10480120-T-C.
Other names: short protein forms T198A.
Identifiers: ClinVar variation 1297704 (VCV001297704.5), dbSNP rs1798078707, ClinGen allele CA370299710.

ClinVar aggregate classification (germline): Uncertain significance. Review status: criteria provided, single submitter (1 of 4 stars). 3 submissions from 3 submitters: Uncertain significance (1). 2 of the submissions do not count toward it. Last evaluated 2024-02-16.

gnomAD v4.1: 4 of 1,614,218 alleles (0.00025%); highest among the groups gnomAD compares: South Asian, 0.0011%; no homozygotes.

Submissions (3):

Labcorp Genetics (formerly Invitae), Labcorp
Classification: Uncertain significance. Last evaluated: 2024-02-16. Review status: criteria provided, single submitter. Criteria: Invitae Variant Classification Sherloc (09022015). Collection method: clinical testing. Allele origin: germline.
Comment: This sequence change replaces threonine, which is neutral and polar, with alanine, which is neutral and non-polar, at codon 198 of the RP1L1 protein (p.Thr198Ala). This variant is not present in population databases (gnomAD no frequency). This variant has not been reported in the literature in individuals affected with RP1L1-related conditions. ClinVar contains an entry for this variant (Variation ID: 1297704). Advanced modeling of protein sequence and biophysical properties (such as structural, functional, and spatial information, amino acid conservation, physicochemical variation, residue mobility, and thermodynamic stability) has been performed at Invitae for this missense variant, however the output from this modeling did not meet the statistical confidence thresholds required to predict the impact of this variant on RP1L1 protein function. In summary, the available evidence is currently insufficient to determine the role of this variant in disease. Therefore, it has been classified as a Variant of Uncertain Significance.

Clinical Genetics DNA and cytogenetics Diagnostics Lab, Erasmus MC, Erasmus Medical Center
Classification: Uncertain significance. Review status: no assertion criteria provided. Collection method: clinical testing. Allele origin: germline. Affected: yes. Study: VKGL Data-share Consensus. Not counted in ClinVar's aggregate classification.

Joint Genome Diagnostic Labs from Nijmegen and Maastricht, Radboudumc and MUMC+
Classification: Uncertain significance. Review status: no assertion criteria provided. Collection method: clinical testing. Allele origin: germline. Affected: yes. Study: VKGL Data-share Consensus. Not counted in ClinVar's aggregate classification.